The following is an entry in ClinVar:

NM_007294.4(BRCA1):c.5480T>G (p.Met1827Arg)

Gene: BRCA1 (BRCA1 DNA repair associated; minus strand). Cytogenetic location: 17q21.31.
Variant type: single nucleotide variant.
Coding change: c.5480T>G on transcript NM_007294.4 (MANE Select); coding-DNA position 5480, T replaced by G.
Protein change: p.Met1827Arg; replaces methionine 1827 with arginine.
Molecular consequence: missense variant. On other transcripts: non-coding transcript variant (1).
Genome position (GRCh38, 1-based): chr17:43,045,790, A>C on the plus strand (T>G on the coding strand, the complement: BRCA1 is on the minus strand). VCF-style: chr17-43045790-A-C. GRCh37 (hg19) VCF-style: chr17-41197807-A-C.
Other names: c.2162T>G, p.Met721Arg (NM_001408406.1, NM_001408407.1, NM_001408408.1); c.2159T>G, p.Met720Arg (NM_001408409.1); c.2096T>G, p.Met699Arg (NM_001408410.1); c.2093T>G, p.Met698Arg (NM_001408411.1); c.2090T>G, p.Met697Arg (NM_001408412.1, NM_001408413.1, NM_001408414.1 and 2 more transcripts); c.2234T>G, p.Met745Arg (NM_001407972.1); c.2168T>G, p.Met723Arg (NM_001407982.1, NM_001407983.1, NM_001407984.1 and 11 more transcripts); c.2165T>G, p.Met722Arg (NM_001408392.1, NM_001408396.1, NM_001408397.1 and 7 more transcripts); and 83 more; short protein forms M1780R, M1827R, M723R, D698E, M1848R, D1754E, D1800E, M1530R.
Identifiers: ClinVar variation 867585 (VCV000867585.3), dbSNP rs2050886535, ClinGen allele CA10590359.
Genomic context (GRCh38, chr17:43,045,790, plus strand): 5'-CACTGGTAGAGTGCTACACTGTCCAACACCCACTCTCGGGTCACCACAGGTGCCTCACAC[A>C]TCTGCCCAATTGCTGGAGACAGAGAACACAAGCAGAGATTAGTGTCAATTCATTCTCCTG-3'
Protein context (NP_009225.1, residues 1817-1837): EDNGFHAIGQ[Met1827Arg]CEAPVVTREW

Conditions:
Breast-ovarian cancer, familial, susceptibility to, 1 (BROVCA1). Also called: BRCA1 Hereditary Breast and Ovarian Cancer; OVARIAN CANCER, SUSCEPTIBILITY TO. Identifiers: Orphanet 145, MedGen C2676676, MONDO:0011450, OMIM 604370. Disease mechanism: loss of function.

Submission:

Brotman Baty Institute, University of Washington
No classification provided (evidence only). Condition: Breast-ovarian cancer, familial 1. Review status: no classification provided. Collection method: in vitro. Allele origin: not applicable. Functional consequence: functionally_normal.
ClinVar note: "not provided" was previously submitted as the classification for the variant. However, the classification appeared to be based only on an observation of functional data so it was converted to no classification on 2025-07-30.